The following is an entry in ClinVar:

ClinVar aggregate classification (germline): Pathogenic. Review status: criteria provided, multiple submitters, no conflicts (2 of 4 stars). 5 submissions from 5 submitters: Pathogenic (5). Last evaluated 2026-01-19.

Conditions:
Hyperparathyroidism 1 (HRPT1). Also called: HYPERPARATHYROIDISM, FAMILIAL ISOLATED PRIMARY. Identifiers: Orphanet 99879, MedGen C1840402, MONDO:0007767, OMIM 145000.
Parathyroid carcinoma (PRTC). Also called: Parathyroid gland carcinoma; CDC73-Related Parathyroid Carcinoma. Identifiers: Orphanet 143, MedGen C0687150, MONDO:0012004, OMIM 608266, HP:0006780.
Hyperparathyroidism 2 with jaw tumors. Also called: Hyperparathyroidism 2; Hyperparathyroidism-Jaw Tumor Syndrome; HYPERPARATHYROIDISM, FAMILIAL PRIMARY, WITH MULTIPLE OSSIFYING JAW FIBROMAS; HYPERPARATHYROIDISM-JAW TUMOR SYNDROME, HEREDITARY. Identifiers: Orphanet 99880, MedGen C1704981, MONDO:0007768, OMIM 145001.
Hereditary cancer-predisposing syndrome. Also called: Neoplastic Syndromes, Hereditary; Hereditary Cancer Syndrome; Hereditary neoplastic syndrome; Tumor predisposition. Identifiers: Orphanet 140162, MedGen C0027672, MeSH D009386, MONDO:0015356.

gnomAD v4.1: 3 of 1,613,610 alleles (0.00019%); highest among the groups gnomAD compares: East Asian, 0.0022%; no homozygotes.

Submissions (5):

Dasa
Classification: Pathogenic. Last evaluated: 2026-01-19. Review status: criteria provided, single submitter. Criteria: DASA Assertion Criteria. Collection method: clinical testing. Allele origin: germline.
Comment: NM_024529.5(CDC73):c.664C>T (p.Arg222*) introduces a premature termination codon predicted to result in loss of normal protein function. Loss-of-function is an established mechanism of disease for this gene. This variant has been recurrently observed in individuals with related phenotype (PMID: 39044678; PMID: 41497294). The variant is present at low frequency in population datasets. Based on the available data, this variant is classified as pathogenic.

Labcorp Genetics (formerly Invitae), Labcorp
Classification: Pathogenic for Parathyroid carcinoma. Last evaluated: 2025-12-29. Review status: criteria provided, single submitter. Criteria: Invitae Variant Classification Sherloc (09022015). Collection method: clinical testing. Allele origin: germline.
Comment: This sequence change creates a premature translational stop signal (p.Arg222*) in the CDC73 gene. It is expected to result in an absent or disrupted protein product. Loss-of-function variants in CDC73 are known to be pathogenic (PMID: 12434154). This variant is not present in population databases (gnomAD no frequency). This premature translational stop signal has been observed in individual(s) with hyperparathyroidism-jaw tumor syndrome as well as several individuals with primary hyperparathyroidism and primary hyperparathyroidism (PMID: 14585940, 20979880, 23029104, 23293331, 24716902, 25444225). It has also been observed to segregate with disease in related individuals. This variant is also known as HPRT2 c.664C>T. ClinVar contains an entry for this variant (Variation ID: 658835). For these reasons, this variant has been classified as Pathogenic.

GeneDx
Classification: Pathogenic. Last evaluated: 2023-04-17. Review status: criteria provided, single submitter. Criteria: GeneDx Variant Classification Process June 2021. Collection method: clinical testing. Allele origin: germline. Affected: yes.
Comment: Nonsense variant predicted to result in protein truncation or nonsense mediated decay in a gene for which loss of function is a known mechanism of disease; Not observed at significant frequency in large population cohorts (gnomAD); This variant is associated with the following publications: (PMID: 25525159, 34426522, 28881068, 28833384, 20052758, 23293331, 19332451, 20979880, 14585940, 32590342, Marini2023[Review], 25444225, 17639063, 33778063, 23029104, 24716902)

Fulgent Genetics
Classification: Pathogenic for Hyperparathyroidism 1; Hyperparathyroidism 2 with jaw tumors; Parathyroid carcinoma. Last evaluated: 2021-09-15. Review status: criteria provided, single submitter. Criteria: ACMG Guidelines, 2015. Collection method: clinical testing. Allele origin: unknown.

Ambry Genetics
Classification: Pathogenic for Hereditary cancer-predisposing syndrome. Last evaluated: 2020-12-30. Review status: criteria provided, single submitter. Criteria: Ambry Variant Classification Scheme 2023. Collection method: clinical testing. Allele origin: germline.
Comment: The p.R222* pathogenic mutation (also known as c.664C>T), located in coding exon 7 of the CDC73 gene, results from a C to T substitution at nucleotide position 664. This changes the amino acid from an arginine to a stop codon within coding exon 7. This mutation has been detected in multiple patients with benign parathyroid disease or parathyroid carcinoma (Shattuck TM et al. N Engl J Med, 2003 Oct;349:1722-9; Bricaire L et al. J Clin Endocrinol Metab, 2013 Feb;98:E403-8; Mehta A et al. Surgery, 2014 Dec;156:1315-24; Kong J et al. Clin Endocrinol (Oxf), 2014 Aug;81:222-30; Wang W et al. Clin Endocrinol (Oxf), 2017 Dec;87:865-873). It has also been shown to segregate with disease in 4 affected family members in a kindred with Familial Isolated Primary Hyperparathyroidism (FIHP) (Kong J et al. Clin Endocrinol (Oxf), 2014 Aug;81:222-30). In addition to the clinical data presented in the literature, this alteration is expected to result in loss of function by premature protein truncation or nonsense-mediated mRNA decay. As such, this alteration is interpreted as a disease-causing mutation.

Literature cited by the submitters: PubMed 39044678 (cited by Dasa); PubMed 41497294 (cited by Dasa); PubMed 12434154 (cited by Labcorp Genetics (formerly Invitae), Labcorp); PubMed 14585940 (cited by Labcorp Genetics (formerly Invitae), Labcorp and Ambry Genetics); PubMed 20979880 (cited by Labcorp Genetics (formerly Invitae), Labcorp and Ambry Genetics); PubMed 23029104 (cited by Labcorp Genetics (formerly Invitae), Labcorp); PubMed 23293331 (cited by Labcorp Genetics (formerly Invitae), Labcorp and Ambry Genetics); PubMed 24716902 (cited by Labcorp Genetics (formerly Invitae), Labcorp and Ambry Genetics); PubMed 25444225 (cited by Labcorp Genetics (formerly Invitae), Labcorp and Ambry Genetics); PubMed 28833384 (cited by Ambry Genetics); PubMed 28881068 (cited by Ambry Genetics).

NM_024529.5(CDC73):c.664C>T (p.Arg222Ter)

Gene: CDC73 (cell division cycle 73; plus strand). Cytogenetic location: 1q31.2.
Variant type: single nucleotide variant.
Coding change: c.664C>T on transcript NM_024529.5 (MANE Select); coding-DNA position 664, C replaced by T.
Protein change: p.Arg222Ter; replaces arginine 222 with a stop codon.
Molecular consequence: nonsense.
Genome position (GRCh38, 1-based): chr1:193,142,001, C>T. VCF-style: chr1-193142001-C-T. GRCh37 (hg19) VCF-style: chr1-193111131-C-T.
Other names: short protein forms R222*.
Identifiers: ClinVar variation 658835 (VCV000658835.12), dbSNP rs770439843, ClinGen allele CA343962714.